The following is an entry in ClinVar:

NM_001267550.2(TTN):c.63131T>C (p.Ile21044Thr)

Genes: TTN (titin; minus strand), TTN-AS1 (TTN antisense RNA 1; plus strand). Cytogenetic location: 2q31.2.
Variant type: single nucleotide variant.
Coding change: c.63131T>C on transcript NM_001267550.2 (MANE Select); coding-DNA position 63131, T replaced by C.
Protein change: p.Ile21044Thr; replaces isoleucine 21044 with threonine.
Molecular consequence: missense variant.
Genome position (GRCh38, 1-based): chr2:178,588,594, A>G on the plus strand (T>C on the coding strand, the complement: TTN is on the minus strand). VCF-style: chr2-178588594-A-G. GRCh37 (hg19) VCF-style: chr2-179453321-A-G.
Other names: p.I19403T:ATT>ACT; c.58208T>C, p.Ile19403Thr (NM_001256850.1); c.35936T>C, p.Ile11979Thr (NM_003319.4); c.55427T>C, p.Ile18476Thr (NM_133378.4); c.36311T>C, p.Ile12104Thr (NM_133432.3); c.36512T>C, p.Ile12171Thr (NM_133437.4); short protein forms I19403T, I21044T, I12171T, I11979T, I18476T, I12104T.
Identifiers: ClinVar variation 202770 (VCV000202770.3), dbSNP rs529879601, ClinGen allele CA310230.

ClinVar aggregate classification (germline): Uncertain significance. Review status: criteria provided, multiple submitters, no conflicts (2 of 4 stars). 2 submissions from 2 submitters: Uncertain significance (2). Last evaluated 2021-08-13.

Conditions:
Myopathy, myofibrillar, 9, with early respiratory failure (MFM9). Also called: EDSTROM MYOPATHY; MYOPATHY, PROXIMAL, WITH EARLY RESPIRATORY MUSCLE INVOLVEMENT; Myopathy, distal, with early respiratory failure, autosomal dominant; Hereditary myopathy with early respiratory failure. Identifiers: Orphanet 178464, Orphanet 34521, MedGen C1863599, MONDO:0011362, OMIM 603689.
Early-onset myopathy with fatal cardiomyopathy (CMYO5). Also called: CONGENITAL MYOPATHY 5 WITH CARDIOMYOPATHY; Salih Myopathy. Identifiers: Orphanet 289377, MedGen C2673677, MONDO:0012714, OMIM 611705. Disease mechanism: loss of function.
Hypertrophic cardiomyopathy 9. Also called: Familial hypertrophic cardiomyopathy 9. Identifiers: MedGen C1861065, MONDO:0013412, OMIM 613765.
Dilated cardiomyopathy 1G (CMD1G). Identifiers: Orphanet 154, MedGen C1858763, MONDO:0011400, OMIM 604145.
Tibial muscular dystrophy (TMD). Also called: UDD MYOPATHY; Tibial muscular dystrophy, tardive; Udd Distal Myopathy – Tibial Muscular Dystrophy. Identifiers: Orphanet 609, MedGen C1838244, MONDO:0010870, OMIM 600334.
Autosomal recessive limb-girdle muscular dystrophy type 2J (LGMDR10). Also called: MUSCULAR DYSTROPHY, LIMB-GIRDLE, AUTOSOMAL RECESSIVE 10; Limb-girdle muscular dystrophy, type 2J. Identifiers: Orphanet 140922, MedGen C1837342, MONDO:0012127, OMIM 608807.

Allele frequency attached by ClinVar (database versions not stated): gnomAD exomes below 0.00001 and 0.00002; TOPMed below 0.00001; gnomAD 0.00001; ExAC 0.00003; 1000 Genomes Project 30x 0.00016; 1000 Genomes Project 0.00020.
gnomAD v4.1: 5 of 1,559,932 alleles (0.00032%); highest among the groups gnomAD compares: East Asian, 0.0045%; no homozygotes.

Submissions (2):

Fulgent Genetics
Classification: Uncertain significance for Tibial muscular dystrophy; Myopathy, myofibrillar, 9, with early respiratory failure; Dilated cardiomyopathy 1G; Autosomal recessive limb-girdle muscular dystrophy type 2J; Early-onset myopathy with fatal cardiomyopathy; Hypertrophic cardiomyopathy 9. Last evaluated: 2021-08-13. Review status: criteria provided, single submitter. Criteria: ACMG Guidelines, 2015. Collection method: clinical testing. Allele origin: unknown.

GeneDx
Classification: Uncertain significance. Last evaluated: 2013-05-22. Review status: criteria provided, single submitter. Criteria: GeneDx Variant Classification (06012015). Collection method: clinical testing. Allele origin: germline. Affected: yes.
Comment: Missense variants in the TTN gene are considered 'unclassified' if they are not previously reported in the literature and do not have >1% frequency in the population to be considered a polymorphism. Research indicates that truncating mutations in the TTN gene are expected to account for approximately 25% of familial and 18% of sporadic idiopathic DCM; however, truncating variants in the TTN gene have been reported in approximately 3% of reported control alleles. There has been little investigation into non-truncating variants. (Herman D et al. Truncations of titin causing dilated cardiomyopathy. N Eng J Med 366:619-628, 2012) The variant is found in DCM panel(s).